The following is an entry in ClinVar:

NM_024685.4(BBS10):c.1258A>C (p.Met420Leu)

Gene: BBS10 (Bardet-Biedl syndrome 10; minus strand). Cytogenetic location: 12q21.2.
Variant type: single nucleotide variant.
Coding change: c.1258A>C on transcript NM_024685.4 (MANE Select); coding-DNA position 1258, A replaced by C.
Protein change: p.Met420Leu; replaces methionine 420 with leucine.
Molecular consequence: missense variant.
Genome position (GRCh38, 1-based): chr12:76,346,727, T>G on the plus strand (A>C on the coding strand, the complement: BBS10 is on the minus strand). VCF-style: chr12-76346727-T-G. GRCh37 (hg19) VCF-style: chr12-76740507-T-G.
Other names: short protein forms M420L.
Identifiers: ClinVar variation 854853 (VCV000854853.9), dbSNP rs1951761840, ClinGen allele CA385811951.

ClinVar aggregate classification (germline): Uncertain significance (1 of 4 stars; one submission).

Conditions:
Bardet-Biedl syndrome (BBS). Identifiers: Orphanet 110, MedGen C0752166, MONDO:0015229.

Submission:

Labcorp Genetics (formerly Invitae), Labcorp
Classification: Uncertain significance for Bardet-Biedl syndrome. Last evaluated: 2019-11-23. Review status: criteria provided, single submitter. Criteria: Invitae Variant Classification Sherloc (09022015). Collection method: clinical testing. Allele origin: germline.
Comment: This sequence change replaces methionine with leucine at codon 420 of the BBS10 protein (p.Met420Leu). The methionine residue is highly conserved and there is a small physicochemical difference between methionine and leucine. This variant is not present in population databases (ExAC no frequency). This variant has not been reported in the literature in individuals with BBS10-related conditions. Algorithms developed to predict the effect of missense changes on protein structure and function are either unavailable or do not agree on the potential impact of this missense change (SIFT: "Deleterious"; PolyPhen-2: "Possibly Damaging"; Align-GVGD: "Class C0"). In summary, the available evidence is currently insufficient to determine the role of this variant in disease. Therefore, it has been classified as a Variant of Uncertain Significance.